The following is an entry in ClinVar:

ClinVar aggregate classification (germline): Benign/Likely benign. Review status: criteria provided, multiple submitters, no conflicts (2 of 4 stars). 2 submissions from 2 submitters: Benign (1); Likely benign (1). Last evaluated 2024-06-06.

Conditions:
Hereditary cancer-predisposing syndrome. Also called: Neoplastic Syndromes, Hereditary; Tumor predisposition; Hereditary Cancer Syndrome; Hereditary neoplastic syndrome. Identifiers: Orphanet 140162, MedGen C0027672, MeSH D009386, MONDO:0015356.
Familial cancer of breast. Also called: hereditary breast carcinoma; BREAST CANCER, FAMILIAL; Hereditary breast cancer. Identifiers: Orphanet 227535, MedGen C0346153, MONDO:0016419, OMIM 114480. Disease mechanism: loss of function.

Submissions (2):

Myriad Genetics, Inc.
Classification: Benign for Familial cancer of breast. Last evaluated: 2024-06-06. Review status: criteria provided, single submitter. Criteria: Myriad Autosomal Dominant, Autosomal Recessive and X-Linked Classification Criteria (2023). Collection method: clinical testing. Allele origin: unknown.
Comment: This variant is considered benign. This variant is a silent/synonymous amino acid change and it is not expected to impact splicing.

Ambry Genetics
Classification: Likely benign for Hereditary cancer-predisposing syndrome. Last evaluated: 2024-05-11. Review status: criteria provided, single submitter. Criteria: Ambry Variant Classification Scheme 2023. Collection method: clinical testing. Allele origin: germline.

NM_000051.4(ATM):c.6366C>G (p.Thr2122=)

Genes: ATM (ATM serine/threonine kinase; plus strand), C11orf65 (chromosome 11 open reading frame 65; minus strand). Cytogenetic location: 11q22.3.
Variant type: single nucleotide variant.
Coding change: c.6366C>G on transcript NM_000051.4 (MANE Select); coding-DNA position 6366, C replaced by G.
Protein change: p.Thr2122=; no amino-acid change (threonine 2122 retained).
Molecular consequence: synonymous variant. On other transcripts: intron variant (2).
Genome position (GRCh38, 1-based): chr11:108,319,972, C>G. VCF-style: chr11-108319972-C-G. GRCh37 (hg19) VCF-style: chr11-108190699-C-G.
Other names: c.6366C>G, p.Thr2122= (NM_001351834.2); c.641-10901G>C (NM_001330368.2); c.*39-10901G>C (NM_001351110.2).
Identifiers: ClinVar variation 3254193 (VCV003254193.2), dbSNP rs2136219094.